The following is an entry in ClinVar:

ClinVar aggregate classification (germline): Uncertain significance. Review status: criteria provided, multiple submitters, no conflicts (2 of 4 stars). 3 submissions from 3 submitters: Uncertain significance (2). 1 of the submissions does not count toward it. Last evaluated 2024-02-24.

Conditions:
Inborn genetic diseases. Identifiers: MedGen C0950123, MeSH D030342.
Retinal dystrophy. Also called: Inherited retinal dystrophy. Identifiers: Orphanet 71862, MedGen C0854723, MeSH D058499, MONDO:0019118, HP:0000556.
Short-rib thoracic dysplasia 11 with or without polydactyly (SRTD11). Also called: SHORT-RIB THORACIC DYSPLASIA 11 WITHOUT POLYDACTYLY. Identifiers: Orphanet 474, Orphanet 93271, MedGen C3810200, MONDO:0014287, OMIM 615633.

Allele frequency attached by ClinVar (database versions not stated): gnomAD exomes 0.00003 and 0.00007; ExAC 0.00008; gnomAD 0.00011 and 0.00013; TOPMed 0.00013; ESP Exome Variant Server 0.00015.
gnomAD v4.1: 71 of 1,612,088 alleles (0.0044%); highest among the groups gnomAD compares: Admixed American, 0.033%; no homozygotes.

Submissions (3):

Labcorp Genetics (formerly Invitae), Labcorp
Classification: Uncertain significance for Short-rib thoracic dysplasia 11 with or without polydactyly. Last evaluated: 2024-02-24. Review status: criteria provided, single submitter. Criteria: Invitae Variant Classification Sherloc (09022015). Collection method: clinical testing. Allele origin: germline.
Comment: This sequence change replaces arginine, which is basic and polar, with cysteine, which is neutral and slightly polar, at codon 330 of the WDR34 protein (p.Arg330Cys). This variant is present in population databases (rs200271161, gnomAD 0.02%). This variant has not been reported in the literature in individuals affected with WDR34-related conditions. ClinVar contains an entry for this variant (Variation ID: 1681213). An algorithm developed to predict the effect of missense changes on protein structure and function (PolyPhen-2) suggests that this variant¬†is likely to be tolerated. In summary, the available evidence is currently insufficient to determine the role of this variant in disease. Therefore, it has been classified as a Variant of Uncertain Significance.

Ambry Genetics
Classification: Uncertain significance for Inborn genetic diseases. Last evaluated: 2023-12-17. Review status: criteria provided, single submitter. Criteria: Ambry Variant Classification Scheme 2023. Collection method: clinical testing. Allele origin: germline.

Institute of Human Genetics, Univ. Regensburg, Univ. Regensburg
Classification: Uncertain significance for Retinal dystrophy. Last evaluated: 2023-01-01. Review status: no assertion criteria provided. Criteria: ACMG Guidelines, 2015. Collection method: clinical testing. Allele origin: germline. Affected: yes. Not counted in ClinVar's aggregate classification.

NM_052844.4(DYNC2I2):c.988C>T (p.Arg330Cys)

Genes: DYNC2I2 (dynein 2 intermediate chain 2; minus strand), LOC126860772 (CDK7 strongly-dependent group 2 enhancer GRCh37_chr9:131396972-131398171; plus strand). Cytogenetic location: 9q34.11.
Variant type: single nucleotide variant.
Coding change: c.988C>T on transcript NM_052844.4 (MANE Select); coding-DNA position 988, C replaced by T.
Protein change: p.Arg330Cys; replaces arginine 330 with cysteine.
Molecular consequence: missense variant.
Genome position (GRCh38, 1-based): chr9:128,634,915, G>A on the plus strand (C>T on the coding strand, the complement: DYNC2I2 is on the minus strand). VCF-style: chr9-128634915-G-A. GRCh37 (hg19) VCF-style: chr9-131397194-G-A.
Other names: c.988C>T (NM_052844.3); short protein forms R330C.
Identifiers: ClinVar variation 1681213 (VCV001681213.6), dbSNP rs200271161, ClinGen allele CA5266372.